The following is an entry in ClinVar:

NM_182914.3(SYNE2):c.14976+10A>G

Gene: SYNE2 (spectrin repeat containing nuclear envelope protein 2; plus strand). Cytogenetic location: 14q23.2.
Variant type: single nucleotide variant.
Coding change: c.14976+10A>G on transcript NM_182914.3 (MANE Select); 10 bases into the intron after coding-DNA position 14976, A replaced by G.
Molecular consequence: intron variant.
Genome position (GRCh38, 1-based): chr14:64,140,083, A>G. VCF-style: chr14-64140083-A-G. GRCh37 (hg19) VCF-style: chr14-64606801-A-G.
Other names: c.14976+10A>G (NM_015180.6).
Identifiers: ClinVar variation 313601 (VCV000313601.19), dbSNP rs367888426, ClinGen allele CA7222931.

ClinVar aggregate classification (germline): Benign/Likely benign. Review status: criteria provided, multiple submitters, no conflicts (2 of 4 stars). 5 submissions from 5 submitters: Benign (1); Likely benign (3). 1 of the submissions does not count toward it. Last evaluated 2026-02-01.

Conditions:
SYNE2-related disorder. Also called: SYNE2-related condition.
Emery-Dreifuss muscular dystrophy 5, autosomal dominant (EDMD5). Also called: EMERY-DREIFUSS MUSCULAR DYSTROPHY 5. Identifiers: Orphanet 261, MedGen C2751805, MONDO:0013072, OMIM 612999.

Allele frequency attached by ClinVar (database versions not stated): TOPMed 0.00012; gnomAD 0.00013 and 0.00014; gnomAD exomes 0.00016 and 0.00020; ESP Exome Variant Server 0.00023.
gnomAD v4.1: 257 of 1,611,856 alleles (0.016%); highest among the groups gnomAD compares: Middle Eastern, 0.13%; no homozygotes.

Submissions (5):

Labcorp Genetics (formerly Invitae), Labcorp
Classification: Likely benign for Emery-Dreifuss muscular dystrophy 5, autosomal dominant. Last evaluated: 2026-02-01. Review status: criteria provided, single submitter. Criteria: Invitae Variant Classification Sherloc (09022015). Collection method: clinical testing. Allele origin: germline.

Blueprint Genetics
Classification: Likely benign. Last evaluated: 2024-08-29. Review status: criteria provided, single submitter. Criteria: ACMG Guidelines, 2015. Collection method: clinical testing. Allele origin: germline.

Illumina Laboratory Services, Illumina
Classification: Benign for Emery-Dreifuss muscular dystrophy 5, autosomal dominant. Last evaluated: 2018-01-13. Review status: criteria provided, single submitter. Criteria: ICSL Variant Classification Criteria 13 December 2019. Collection method: clinical testing. Allele origin: germline.
Comment: This variant was observed in the ICSL laboratory as part of a predisposition screen in an ostensibly healthy population. It had not been previously curated by ICSL or reported in the Human Gene Mutation Database (HGMD: prior to June 1st, 2018), and was therefore a candidate for classification through an automated scoring system. Utilizing variant allele frequency, disease prevalence and penetrance estimates, and inheritance mode, an automated score was calculated to assess if this variant is too frequent to cause the disease. Based on the score and internal cut-off values, a variant classified as benign is not then subjected to further curation. The score for this variant resulted in a classification of benign for this disease.

Breakthrough Genomics
Classification: Likely benign. Review status: criteria provided, single submitter. Criteria: ACMG Guidelines, 2015. Collection method: not provided. Allele origin: germline. Inheritance: Autosomal dominant inheritance. Affected: yes.

PreventionGenetics, part of Exact Sciences
Classification: Likely benign for SYNE2-related condition. Last evaluated: 2019-05-30. Review status: no assertion criteria provided. Collection method: clinical testing. Allele origin: germline. Not counted in ClinVar's aggregate classification.
Comment: This variant is classified as likely benign based on ACMG/AMP sequence variant interpretation guidelines (Richards et al. 2015 PMID: 25741868, with internal and published modifications).